The following is an entry in ClinVar:

ClinVar aggregate classification (germline): Uncertain significance (1 of 4 stars; one submission).

Submission:

Labcorp Genetics (formerly Invitae), Labcorp
Classification: Uncertain significance. Last evaluated: 2021-03-25. Review status: criteria provided, single submitter. Criteria: Invitae Variant Classification Sherloc (09022015). Collection method: clinical testing. Allele origin: germline.
Comment: This sequence change replaces proline with glutamine at codon 512 of the ZNF513 protein (p.Pro512Gln). The proline residue is highly conserved and there is a moderate physicochemical difference between proline and glutamine. This variant is not present in population databases (ExAC no frequency). This variant has not been reported in the literature in individuals with ZNF513-related conditions. Algorithms developed to predict the effect of missense changes on protein structure and function are either unavailable or do not agree on the potential impact of this missense change (SIFT: "Deleterious"; PolyPhen-2: "Possibly Damaging"; Align-GVGD: "Class C0"). In summary, the available evidence is currently insufficient to determine the role of this variant in disease. Therefore, it has been classified as a Variant of Uncertain Significance.

NM_144631.6(ZNF513):c.1535C>A (p.Pro512Gln)

Gene: ZNF513 (zinc finger protein 513; minus strand). Cytogenetic location: 2p23.3.
Variant type: single nucleotide variant.
Coding change: c.1535C>A on transcript NM_144631.6 (MANE Select); coding-DNA position 1535, C replaced by A.
Protein change: p.Pro512Gln; replaces proline 512 with glutamine.
Molecular consequence: missense variant.
Genome position (GRCh38, 1-based): chr2:27,377,636, G>T on the plus strand (C>A on the coding strand, the complement: ZNF513 is on the minus strand). VCF-style: chr2-27377636-G-T. GRCh37 (hg19) VCF-style: chr2-27600503-G-T.
Other names: c.1349C>A, p.Pro450Gln (NM_001201459.2); short protein forms P450Q, P512Q.
Identifiers: ClinVar variation 1353440 (VCV001353440.8), dbSNP rs1384442874, ClinGen allele CA346214225.